The following is an entry in ClinVar:

NM_177438.3(DICER1):c.1701C>A (p.Asp567Glu)

Gene: DICER1 (dicer 1, ribonuclease III; minus strand). Cytogenetic location: 14q32.13.
Variant type: single nucleotide variant.
Coding change: c.1701C>A on transcript NM_177438.3 (MANE Select); coding-DNA position 1701, C replaced by A.
Protein change: p.Asp567Glu; replaces aspartic acid 567 with glutamic acid.
Molecular consequence: missense variant. On other transcripts: non-coding transcript variant (6).
Genome position (GRCh38, 1-based): chr14:95,116,504, G>T on the plus strand (C>A on the coding strand, the complement: DICER1 is on the minus strand). VCF-style: chr14-95116504-G-T. GRCh37 (hg19) VCF-style: chr14-95582841-G-T.
Other names: c.1701C>A, p.Asp567Glu (NM_001195573.1, NM_001271282.3, NM_001291628.2 and 13 more transcripts); c.1419C>A, p.Asp473Glu (NM_001395686.1); c.1296C>A, p.Asp432Glu (NM_001395687.1, NM_001395688.1, NM_001395689.1 and 3 more transcripts); c.1134C>A, p.Asp378Glu (NM_001395691.1); c.18C>A, p.Asp6Glu (NM_001395697.1); short protein forms D432E, D378E, D473E, D567E, D6E.
Identifiers: ClinVar variation 2753942 (VCV002753942.3), dbSNP rs1229773803, ClinGen allele CA390884762.
Genomic context (GRCh38, chr14:95,116,504, plus strand): 5'-TGATCTTACCTTTTCAATAGCTTTGTAGGTTTTAAGGTCTTCTTCAAAACTTTTTATTTT[G>T]TCTGTATCCGCTAACATTATATAATTAGAGATGGGTGCCCTTGCTCTTCCTTTAGATTGA-3'
Protein context (NP_803187.1, residues 557-577): ISNYIMLADT[Asp567Glu]KIKSFEEDLK

ClinVar aggregate classification (germline): Uncertain significance (1 of 4 stars; one submission).

Conditions:
DICER1-related tumor predisposition. Also called: DICER1-related pleuropulmonary blastoma cancer predisposition syndrome; DICER1 syndrome. Identifiers: Orphanet 284343, MedGen C3839822, MONDO:0100216.

Submission:

Labcorp Genetics (formerly Invitae), Labcorp
Classification: Uncertain significance for DICER1-related tumor predisposition. Last evaluated: 2023-08-19. Review status: criteria provided, single submitter. Criteria: Invitae Variant Classification Sherloc (09022015). Collection method: clinical testing. Allele origin: germline.
Comment: This variant is not present in population databases (gnomAD no frequency). This sequence change replaces aspartic acid, which is acidic and polar, with glutamic acid, which is acidic and polar, at codon 567 of the DICER1 protein (p.Asp567Glu). This variant has not been reported in the literature in individuals affected with DICER1-related conditions. In summary, the available evidence is currently insufficient to determine the role of this variant in disease. Therefore, it has been classified as a Variant of Uncertain Significance. Advanced modeling of protein sequence and biophysical properties (such as structural, functional, and spatial information, amino acid conservation, physicochemical variation, residue mobility, and thermodynamic stability) performed at Invitae indicates that this missense variant is not expected to disrupt DICER1 protein function.